The following is an entry in ClinVar:

NM_024529.5(CDC73):c.227G>A (p.Arg76Gln)

Gene: CDC73 (cell division cycle 73; plus strand). Cytogenetic location: 1q31.2.
Variant type: single nucleotide variant.
Coding change: c.227G>A on transcript NM_024529.5 (MANE Select); coding-DNA position 227, G replaced by A.
Protein change: p.Arg76Gln; replaces arginine 76 with glutamine.
Molecular consequence: missense variant.
Genome position (GRCh38, 1-based): chr1:193,125,207, G>A. VCF-style: chr1-193125207-G-A. GRCh37 (hg19) VCF-style: chr1-193094337-G-A.
Other names: short protein forms R76Q.
Identifiers: ClinVar variation 1788915 (VCV001788915.3), dbSNP rs2103114035, ClinGen allele CA343973238.
Genomic context (GRCh38, chr1:193,125,207, plus strand): 5'-CATTGGATTCCATTTTATTTCTACTTAATAACGTGCACCTTTCTCATCCTGTTTATGTCC[G>A]ACGTGCAGCTGTAAGTAGAATTCATTTTACTTATCTATCTATTTATCAGTTTTATTTTTA-3'
Protein context (NP_078805.3, residues 66-86): NVHLSHPVYV[Arg76Gln]RAATENIPVV

ClinVar aggregate classification (germline): Uncertain significance. Review status: criteria provided, multiple submitters, no conflicts (2 of 4 stars). 2 submissions from 2 submitters: Uncertain significance (2). Last evaluated 2025-09-27.

Conditions:
Hereditary cancer-predisposing syndrome. Also called: Hereditary Cancer Syndrome; Hereditary neoplastic syndrome; Tumor predisposition; Neoplastic Syndromes, Hereditary. Identifiers: Orphanet 140162, MedGen C0027672, MeSH D009386, MONDO:0015356.
Parathyroid carcinoma (PRTC). Also called: Parathyroid gland carcinoma; CDC73-Related Parathyroid Carcinoma. Identifiers: Orphanet 143, MedGen C0687150, MONDO:0012004, OMIM 608266, HP:0006780.

Allele frequency attached by ClinVar (database versions not stated): gnomAD exomes below 0.00001.
gnomAD v4.1: 1 of 1,552,572 alleles (0.000064%); highest among the groups gnomAD compares: Non-Finnish European, 0.000089%; no homozygotes.

Submissions (2):

Labcorp Genetics (formerly Invitae), Labcorp
Classification: Uncertain significance for Parathyroid carcinoma. Last evaluated: 2025-09-27. Review status: criteria provided, single submitter. Criteria: Invitae Variant Classification Sherloc (09022015). Collection method: clinical testing. Allele origin: germline.
Comment: This sequence change replaces arginine, which is basic and polar, with glutamine, which is neutral and polar, at codon 76 of the CDC73 protein (p.Arg76Gln). This variant is not present in population databases (gnomAD no frequency). This variant has not been reported in the literature in individuals affected with CDC73-related conditions. ClinVar contains an entry for this variant (Variation ID: 1788915). Invitae Evidence Modeling of protein sequence and biophysical properties (such as structural, functional, and spatial information, amino acid conservation, physicochemical variation, residue mobility, and thermodynamic stability) indicates that this missense variant is not expected to disrupt CDC73 protein function with a negative predictive value of 80%. In summary, the available evidence is currently insufficient to determine the role of this variant in disease. Therefore, it has been classified as a Variant of Uncertain Significance.

Ambry Genetics
Classification: Uncertain significance for Hereditary cancer-predisposing syndrome. Last evaluated: 2022-02-02. Review status: criteria provided, single submitter. Criteria: Ambry Variant Classification Scheme 2023. Collection method: clinical testing. Allele origin: germline.
Comment: The p.R76Q variant (also known as c.227G>A), located in coding exon 2 of the CDC73 gene, results from a G to A substitution at nucleotide position 227. The arginine at codon 76 is replaced by glutamine, an amino acid with highly similar properties. This amino acid position is conserved. In addition, the in silico prediction for this alteration is inconclusive. Since supporting evidence is limited at this time, the clinical significance of this alteration remains unclear.